The following is an entry in ClinVar:

ClinVar aggregate classification (germline): Conflicting classifications of pathogenicity. Review status: criteria provided, conflicting classifications (1 of 4 stars). 4 submissions from 4 submitters: Uncertain significance (3); Likely benign (1). Last evaluated 2024-12-15.

Conditions:
Hereditary cancer-predisposing syndrome. Also called: Neoplastic Syndromes, Hereditary; Hereditary Cancer Syndrome; Tumor predisposition; Hereditary neoplastic syndrome. Identifiers: Orphanet 140162, MedGen C0027672, MeSH D009386, MONDO:0015356.
Hereditary breast ovarian cancer syndrome. Also called: Hereditary breast and ovarian cancer syndrome; Hereditary breast and ovarian cancer syndrome (HBOC); Hereditary breast and/or ovarian cancer syndrome; Hereditary breast and ovarian cancer; Breast and ovarian cancer; BRCA1- and BRCA2-Associated Hereditary Breast and Ovarian Cancer. Identifiers: Orphanet 145, MedGen C0677776, MeSH D061325, MONDO:0003582. Disease mechanism: loss of function.

Submissions (4):

Ambry Genetics
Classification: Uncertain significance for Hereditary cancer-predisposing syndrome. Last evaluated: 2024-12-15. Review status: criteria provided, single submitter. Criteria: Ambry Variant Classification Scheme 2023. Collection method: clinical testing. Allele origin: germline.
Comment: The p.I1136L variant (also known as c.3406A>T), located in coding exon 10 of the BRCA2 gene, results from an A to T substitution at nucleotide position 3406. The isoleucine at codon 1136 is replaced by leucine, an amino acid with highly similar properties. This amino acid position is conserved. In addition, this alteration is predicted to be tolerated by in silico analysis. Based on the available evidence, the clinical significance of this variant remains unclear.

Labcorp Genetics (formerly Invitae), Labcorp
Classification: Uncertain significance for Hereditary breast ovarian cancer syndrome. Last evaluated: 2024-03-04. Review status: criteria provided, single submitter. Criteria: Invitae Variant Classification Sherloc (09022015). Collection method: clinical testing. Allele origin: germline.
Comment: This sequence change replaces isoleucine, which is neutral and non-polar, with leucine, which is neutral and non-polar, at codon 1136 of the BRCA2 protein (p.Ile1136Leu). This variant is not present in population databases (gnomAD no frequency). This variant has not been reported in the literature in individuals affected with BRCA2-related conditions. ClinVar contains an entry for this variant (Variation ID: 928456). Advanced modeling of protein sequence and biophysical properties (such as structural, functional, and spatial information, amino acid conservation, physicochemical variation, residue mobility, and thermodynamic stability) performed at Invitae indicates that this missense variant is not expected to disrupt BRCA2 protein function with a negative predictive value of 95%. In summary, the available evidence is currently insufficient to determine the role of this variant in disease. Therefore, it has been classified as a Variant of Uncertain Significance.

University of Washington Department of Laboratory Medicine, University of Washington
Classification: Likely benign for Hereditary cancer-predisposing syndrome. Last evaluated: 2023-03-23. Review status: criteria provided, single submitter. Criteria: Dines et al. (Genet Med. 2020). Collection method: curation. Allele origin: germline.
Comment: Missense variant in a coldspot region where missense variants are very unlikely to be pathogenic (PMID:31911673).

BRCA2 exon 11 coldspot. Reclassification based on statistical prior probability.

Color Diagnostics, LLC DBA Color Health
Classification: Uncertain significance for Hereditary cancer-predisposing syndrome. Last evaluated: 2020-03-03. Review status: criteria provided, single submitter. Criteria: ACMG Guidelines, 2015. Collection method: clinical testing. Allele origin: germline.
Comment: This missense variant replaces isoleucine with leucine at codon 1136 of the BRCA2 protein. Computational prediction suggests that this variant may not impact protein structure and function (internally defined REVEL score threshold <= 0.5, PMID: 27666373). Splice site prediction tools suggest that this variant may not impact RNA splicing. To our knowledge, functional studies have not been reported for this variant. This variant has not been reported in individuals affected with hereditary cancer in the literature. This variant has not been identified in the general population by the Genome Aggregation Database (gnomAD). The available evidence is insufficient to determine the role of this variant in disease conclusively. Therefore, this variant is classified as a Variant of Uncertain Significance.

NM_000059.4(BRCA2):c.3406A>T (p.Ile1136Leu)

Gene: BRCA2 (BRCA2 DNA repair associated; plus strand). Cytogenetic location: 13q13.1.
Variant type: single nucleotide variant.
Coding change: c.3406A>T on transcript NM_000059.4 (MANE Select); coding-DNA position 3406, A replaced by T.
Protein change: p.Ile1136Leu; replaces isoleucine 1136 with leucine.
Molecular consequence: missense variant.
Genome position (GRCh38, 1-based): chr13:32,337,761, A>T. VCF-style: chr13-32337761-A-T. GRCh37 (hg19) VCF-style: chr13-32911898-A-T.
Other names: short protein forms I1136L.
Identifiers: ClinVar variation 928456 (VCV000928456.14), dbSNP rs876658683, ClinGen allele CA387776482.